The following is an entry in ClinVar:

NM_000214.3(JAG1):c.2881A>G (p.Ile961Val)

Gene: JAG1 (jagged canonical Notch ligand 1; minus strand). Cytogenetic location: 20p12.2.
Variant type: single nucleotide variant.
Coding change: c.2881A>G on transcript NM_000214.3 (MANE Select); coding-DNA position 2881, A replaced by G.
Protein change: p.Ile961Val; replaces isoleucine 961 with valine.
Molecular consequence: missense variant.
Genome position (GRCh38, 1-based): chr20:10,641,495, T>C on the plus strand (A>G on the coding strand, the complement: JAG1 is on the minus strand). VCF-style: chr20-10641495-T-C. GRCh37 (hg19) VCF-style: chr20-10622143-T-C.
Other names: c.2881A>G (NM_000214.2); short protein forms I961V.
Identifiers: ClinVar variation 1446736 (VCV001446736.7), dbSNP rs1028081494, ClinGen allele CA311368710.

ClinVar aggregate classification (germline): Uncertain significance. Review status: criteria provided, multiple submitters, no conflicts (2 of 4 stars). 2 submissions from 2 submitters: Uncertain significance (2). Last evaluated 2026-04-24.

Conditions:
JAG1-related disorder. Also called: JAG1-related condition; JAG1-related disorders.
Alagille syndrome due to a JAG1 point mutation. Also called: HEPATIC DUCTULAR HYPOPLASIA, SYNDROMATIC; Alagille Syndrome 1; JAG1-Related Alagille Syndrome. Identifiers: Orphanet 261619, Orphanet 52, MedGen C1956125, MONDO:0016862, OMIM 118450.

Allele frequency attached by ClinVar (database versions not stated): TOPMed below 0.00001.

Submissions (2):

PreventionGenetics, part of Exact Sciences
Classification: Uncertain significance for JAG1-related condition. Last evaluated: 2026-04-24. Review status: criteria provided, single submitter. Criteria: ACMG Guidelines, 2015. Collection method: clinical testing. Allele origin: germline.
Comment: The JAG1 c.2881A>G variant is predicted to result in the amino acid substitution p.Ile961Val. To our knowledge, this variant has not been reported in the literature or in a large population database (gnomAD), indicating this variant is rare. At this time, the clinical significance of this variant is uncertain due to the absence of conclusive functional and genetic evidence.

Labcorp Genetics (formerly Invitae), Labcorp
Classification: Uncertain significance for Alagille syndrome due to a JAG1 point mutation. Last evaluated: 2021-09-01. Review status: criteria provided, single submitter. Criteria: Invitae Variant Classification Sherloc (09022015). Collection method: clinical testing. Allele origin: germline.
Comment: This sequence change replaces isoleucine with valine at codon 961 of the JAG1 protein (p.Ile961Val). The isoleucine residue is highly conserved and there is a small physicochemical difference between isoleucine and valine. In summary, the available evidence is currently insufficient to determine the role of this variant in disease. Therefore, it has been classified as a Variant of Uncertain Significance. Advanced modeling of protein sequence and biophysical properties (such as structural, functional, and spatial information, amino acid conservation, physicochemical variation, residue mobility, and thermodynamic stability) performed at Invitae indicates that this missense variant is not expected to disrupt JAG1 protein function. This variant has not been reported in the literature in individuals affected with JAG1-related conditions. This variant is not present in population databases (ExAC no frequency).